The following is an entry in ClinVar:

NM_003070.5(SMARCA2):c.483G>A (p.Pro161=)

Gene: SMARCA2 (SWI/SNF related BAF chromatin remodeling complex subunit ATPase 2; plus strand). Cytogenetic location: 9p24.3.
Variant type: single nucleotide variant.
Coding change: c.483G>A on transcript NM_003070.5 (MANE Select); coding-DNA position 483, G replaced by A.
Protein change: p.Pro161=; no amino-acid change (proline 161 retained).
Molecular consequence: synonymous variant.
Genome position (GRCh38, 1-based): chr9:2,039,593, G>A. VCF-style: chr9-2039593-G-A. GRCh37 (hg19) VCF-style: chr9-2039593-G-A.
Other names: c.483G>A (NM_003070.4); c.483G>A, p.Pro161= (NM_001289396.2, NM_001289397.2, NM_139045.4).
Identifiers: ClinVar variation 1278061 (VCV001278061.3), dbSNP rs146359524, ClinGen allele CA4962869.

ClinVar aggregate classification (germline): Benign/Likely benign. Review status: criteria provided, multiple submitters, no conflicts (2 of 4 stars). 3 submissions from 3 submitters: Benign (1); Likely benign (1). 1 of the submissions does not count toward it. Last evaluated 2024-10-24.

Conditions:
SMARCA2-related disorder. Also called: SMARCA2-related condition.

Allele frequency attached by ClinVar (database versions not stated): 1000 Genomes Project 30x 0.00094; 1000 Genomes Project 0.00100.
gnomAD v4.1: 281 of 1,614,128 alleles (0.017%); highest among the groups gnomAD compares: South Asian, 0.16%; 2 homozygotes.

Submissions (3):

Blueprint Genetics
Classification: Likely benign. Last evaluated: 2024-10-24. Review status: criteria provided, single submitter. Criteria: ACMG Guidelines, 2015. Collection method: clinical testing. Allele origin: germline.

GeneDx
Classification: Benign. Last evaluated: 2021-01-09. Review status: criteria provided, single submitter. Criteria: GeneDx Variant Classification Process June 2021. Collection method: clinical testing. Allele origin: germline. Affected: yes.

PreventionGenetics, part of Exact Sciences
Classification: Likely benign for SMARCA2-related condition. Last evaluated: 2024-07-11. Review status: no assertion criteria provided. Collection method: clinical testing. Allele origin: germline. Not counted in ClinVar's aggregate classification.
Comment: This variant is classified as likely benign based on ACMG/AMP sequence variant interpretation guidelines (Richards et al. 2015 PMID: 25741868, with internal and published modifications).